The following is an entry in ClinVar:

ClinVar aggregate classification (germline): Uncertain significance (1 of 4 stars; one submission).

Submission:

Labcorp Genetics (formerly Invitae), Labcorp
Classification: Uncertain significance. Last evaluated: 2022-06-20. Review status: criteria provided, single submitter. Criteria: Invitae Variant Classification Sherloc (09022015). Collection method: clinical testing. Allele origin: germline.
Comment: This sequence change replaces serine, which is neutral and polar, with isoleucine, which is neutral and non-polar, at codon 447 of the STAT4 protein (p.Ser447Ile). This variant is not present in population databases (gnomAD no frequency). This variant has not been reported in the literature in individuals affected with STAT4-related conditions. Algorithms developed to predict the effect of missense changes on protein structure and function (SIFT, PolyPhen-2, Align-GVGD) all suggest that this variant is likely to be tolerated. In summary, the available evidence is currently insufficient to determine the role of this variant in disease. Therefore, it has been classified as a Variant of Uncertain Significance.

NM_003151.4(STAT4):c.1340G>T (p.Ser447Ile)

Gene: STAT4 (signal transducer and activator of transcription 4; minus strand). Cytogenetic location: 2q32.2.
Variant type: single nucleotide variant.
Coding change: c.1340G>T on transcript NM_003151.4 (MANE Select); coding-DNA position 1340, G replaced by T.
Protein change: p.Ser447Ile; replaces serine 447 with isoleucine.
Molecular consequence: missense variant.
Genome position (GRCh38, 1-based): chr2:191,039,293, C>A on the plus strand (G>T on the coding strand, the complement: STAT4 is on the minus strand). VCF-style: chr2-191039293-C-A. GRCh37 (hg19) VCF-style: chr2-191904019-C-A.
Other names: c.1340G>T, p.Ser447Ile (NM_001243835.2); short protein forms S447I.
Identifiers: ClinVar variation 1476051 (VCV001476051.8), dbSNP rs2125159136, ClinGen allele CA349911096.